The following is an entry in ClinVar:

NM_017671.5(FERMT1):c.1555G>C (p.Val519Leu)

Gene: FERMT1 (FERM domain containing kindlin 1; minus strand). Cytogenetic location: 20p12.3.
Variant type: single nucleotide variant.
Coding change: c.1555G>C on transcript NM_017671.5 (MANE Select); coding-DNA position 1555, G replaced by C.
Protein change: p.Val519Leu; replaces valine 519 with leucine.
Molecular consequence: missense variant.
Genome position (GRCh38, 1-based): chr20:6,085,104, C>G on the plus strand (G>C on the coding strand, the complement: FERMT1 is on the minus strand). VCF-style: chr20-6085104-C-G. GRCh37 (hg19) VCF-style: chr20-6065751-C-G.
Other names: short protein forms V519L.
Identifiers: ClinVar variation 339214 (VCV000339214.7), dbSNP rs371490137, ClinGen allele CA9758119.
Genomic context (GRCh38, chr20:6,085,104, plus strand): 5'-GCCCTAACAAGATTAACAGTACCTGTTTGGATTTGTGTCTTTTTGCACACCGTGGTGACA[C>G]AAAACATTCTGGGTTCATATCCATGTTTTCGAGACTGGAAGCCACCTGAGATGCAGAGTT-3'
Protein context (NP_060141.3, residues 509-529): ENMDMNPECF[Val519Leu]SPRCAKRHKS

ClinVar aggregate classification (germline): Uncertain significance. Review status: criteria provided, multiple submitters, no conflicts (2 of 4 stars). 2 submissions from 2 submitters: Uncertain significance (2). Last evaluated 2022-08-19.

Conditions:
Kindler syndrome (KNDLRS). Also called: BULLOUS ACROKERATOTIC POIKILODERMA OF KINDLER AND WEARY; POIKILODERMA, CONGENITAL, WITH BULLAE, WEARY TYPE; POIKILODERMA, HEREDITARY ACROKERATOTIC; Hereditary acrokeratotic poikiloderma of Weary; Poikiloderma of Kindler; Congenital bullous poikiloderma. Identifiers: Orphanet 2908, Orphanet 306539, MedGen C0406557, MONDO:0008260, OMIM 173650.

Allele frequency attached by ClinVar (database versions not stated): ExAC 0.00003; gnomAD 0.00003; gnomAD exomes 0.00003; TOPMed 0.00003; ESP Exome Variant Server 0.00008.
gnomAD v4.1: 78 of 1,614,054 alleles (0.0048%); highest among the groups gnomAD compares: Non-Finnish European, 0.0064%; no homozygotes.

Submissions (2):

Labcorp Genetics (formerly Invitae), Labcorp
Classification: Uncertain significance. Last evaluated: 2022-08-19. Review status: criteria provided, single submitter. Criteria: Invitae Variant Classification Sherloc (09022015). Collection method: clinical testing. Allele origin: germline.
Comment: This sequence change replaces valine, which is neutral and non-polar, with leucine, which is neutral and non-polar, at codon 519 of the FERMT1 protein (p.Val519Leu). This variant is present in population databases (rs371490137, gnomAD 0.006%). This variant has not been reported in the literature in individuals affected with FERMT1-related conditions. ClinVar contains an entry for this variant (Variation ID: 339214). Algorithms developed to predict the effect of missense changes on protein structure and function are either unavailable or do not agree on the potential impact of this missense change (SIFT: "Tolerated"; PolyPhen-2: "Probably Damaging"; Align-GVGD: "Class C0"). In summary, the available evidence is currently insufficient to determine the role of this variant in disease. Therefore, it has been classified as a Variant of Uncertain Significance.

Illumina Laboratory Services, Illumina
Classification: Uncertain significance for Kindler syndrome. Last evaluated: 2018-01-12. Review status: criteria provided, single submitter. Criteria: ICSL Variant Classification Criteria 13 December 2019. Collection method: clinical testing. Allele origin: germline.